The following is an entry in ClinVar:

NM_024884.3(L2HGDH):c.289A>T (p.Ile97Leu)

Gene: L2HGDH (L-2-hydroxyglutarate dehydrogenase; minus strand). Cytogenetic location: 14q21.3.
Variant type: single nucleotide variant.
Coding change: c.289A>T on transcript NM_024884.3 (MANE Select); coding-DNA position 289, A replaced by T.
Protein change: p.Ile97Leu; replaces isoleucine 97 with leucine.
Molecular consequence: missense variant.
Genome position (GRCh38, 1-based): chr14:50,302,136, T>A on the plus strand (A>T on the coding strand, the complement: L2HGDH is on the minus strand). VCF-style: chr14-50302136-T-A. GRCh37 (hg19) VCF-style: chr14-50768854-T-A.
Other names: c.289A>T (NM_024884.2); short protein forms I97L.
Identifiers: ClinVar variation 1389039 (VCV001389039.9), dbSNP rs138626765, ClinGen allele CA7178059.

ClinVar aggregate classification (germline): Uncertain significance. Review status: criteria provided, multiple submitters, no conflicts (2 of 4 stars). 2 submissions from 2 submitters: Uncertain significance (2). Last evaluated 2024-06-11.

Conditions:
Inborn genetic diseases. Identifiers: MedGen C0950123, MeSH D030342.
L-2-hydroxyglutaric aciduria (L2HGA). Identifiers: Orphanet 79314, MedGen C1855995, MONDO:0009370, OMIM 236792, HP:0040144.

Allele frequency attached by ClinVar (database versions not stated): gnomAD exomes 0.00001; ExAC 0.00002; gnomAD 0.00004 and 0.00005; ESP Exome Variant Server 0.00008.
gnomAD v4.1: 7 of 1,614,016 alleles (0.00043%); highest among the groups gnomAD compares: African/African-American, 0.0093%; no homozygotes.

Submissions (2):

Ambry Genetics
Classification: Uncertain significance for Inborn genetic diseases. Last evaluated: 2024-06-11. Review status: criteria provided, single submitter. Criteria: Ambry Variant Classification Scheme 2023. Collection method: clinical testing. Allele origin: germline.

Labcorp Genetics (formerly Invitae), Labcorp
Classification: Uncertain significance for L-2-hydroxyglutaric aciduria. Last evaluated: 2024-02-17. Review status: criteria provided, single submitter. Criteria: Invitae Variant Classification Sherloc (09022015). Collection method: clinical testing. Allele origin: germline.
Comment: This sequence change replaces isoleucine, which is neutral and non-polar, with leucine, which is neutral and non-polar, at codon 97 of the L2HGDH protein (p.Ile97Leu). This variant is present in population databases (rs138626765, gnomAD 0.02%). This variant has not been reported in the literature in individuals affected with L2HGDH-related conditions. ClinVar contains an entry for this variant (Variation ID: 1389039). Advanced modeling of protein sequence and biophysical properties (such as structural, functional, and spatial information, amino acid conservation, physicochemical variation, residue mobility, and thermodynamic stability) performed at Invitae indicates that this missense variant is not expected to disrupt L2HGDH protein function with a negative predictive value of 80%. In summary, the available evidence is currently insufficient to determine the role of this variant in disease. Therefore, it has been classified as a Variant of Uncertain Significance.